The following is an entry in ClinVar:

NM_001985.3(ETFB):c.297G>C (p.Leu99Phe)

Gene: ETFB (electron transfer flavoprotein subunit beta; minus strand). Cytogenetic location: 19q13.41.
Variant type: single nucleotide variant.
Coding change: c.297G>C on transcript NM_001985.3 (MANE Select); coding-DNA position 297, G replaced by C.
Protein change: p.Leu99Phe; replaces leucine 99 with phenylalanine.
Molecular consequence: missense variant.
Genome position (GRCh38, 1-based): chr19:51,353,210, C>G on the plus strand (G>C on the coding strand, the complement: ETFB is on the minus strand). VCF-style: chr19-51353210-C-G. GRCh37 (hg19) VCF-style: chr19-51856464-C-G.
Other names: c.570G>C, p.Leu190Phe (NM_001014763.1); short protein forms L190F, L99F.
Identifiers: ClinVar variation 3649815 (VCV003649815.1).

ClinVar aggregate classification (germline): Uncertain significance (1 of 4 stars; one submission).

Conditions:
Multiple acyl-CoA dehydrogenase deficiency (MADD). Also called: ETHYLMALONIC-ADIPICACIDURIA; GA II; Glutaric aciduria, type 2; Glutaric acidemia type II; GA 2; Glutaric Acidemia type 2. Identifiers: Orphanet 26791, MedGen C0268596, MONDO:0009282, OMIM 231680.

Submission:

Labcorp Genetics (formerly Invitae), Labcorp
Classification: Uncertain significance for Multiple acyl-CoA dehydrogenase deficiency. Last evaluated: 2024-05-02. Review status: criteria provided, single submitter. Criteria: Invitae Variant Classification Sherloc (09022015). Collection method: clinical testing. Allele origin: germline.
Comment: This sequence change replaces leucine, which is neutral and non-polar, with phenylalanine, which is neutral and non-polar, at codon 99 of the ETFB protein (p.Leu99Phe). This variant is not present in population databases (gnomAD no frequency). This variant has not been reported in the literature in individuals affected with ETFB-related conditions. Advanced modeling of protein sequence and biophysical properties (such as structural, functional, and spatial information, amino acid conservation, physicochemical variation, residue mobility, and thermodynamic stability) performed at Invitae indicates that this missense variant is not expected to disrupt ETFB protein function with a negative predictive value of 80%. In summary, the available evidence is currently insufficient to determine the role of this variant in disease. Therefore, it has been classified as a Variant of Uncertain Significance.